The following is an entry in ClinVar:

ClinVar aggregate classification (germline): Pathogenic. Review status: criteria provided, multiple submitters, no conflicts (2 of 4 stars). 5 submissions from 5 submitters: Pathogenic (4). 1 of the submissions does not count toward it. Last evaluated 2024-04-12.

Conditions:
Metachromatic leukodystrophy (MLD). Also called: ARSA DEFICIENCY; CEREBROSIDE SULFATASE DEFICIENCY; Arylsulfatase A Deficiency; SULFATIDE LIPIDOSIS; Cerebral sclerosis diffuse metachromatic form; METACHROMATIC LEUKOENCEPHALOPATHY. Identifiers: Orphanet 512, MedGen C0023522, MONDO:0018868, OMIM 250100.

Allele frequency attached by ClinVar (database versions not stated): gnomAD exomes below 0.00001 and 0.00001; TOPMed below 0.00001.

Submissions (5):

Natera, Inc.
Classification: Pathogenic for Metachromatic leukodystrophy. Last evaluated: 2024-04-12. Review status: criteria provided, single submitter. Criteria: Natera Variant Classification Schema (03/2026). Collection method: clinical testing. Allele origin: germline.
Comment: The c.195delC variant in ARSA is a frameshift variant predicted to shift the reading frame and introduce a stop codon. This variant is expected to result in nonsense mediated decay, truncation, or a dysfunctional protein product. This variant is rare in the general population with a frequency below the threshold expected for the associated phenotype(s). This variant has been observed in one or more individuals affected with the associated recessive disease, as either homozygous or compound heterozygous with a second variant (PMID: 28762252, 24001781). Functional studies show that this variant may disrupt protein function (PMID: 28762252). Given the available evidence, this variant is classified as Pathogenic.

Labcorp Genetics (formerly Invitae), Labcorp
Classification: Pathogenic for Metachromatic leukodystrophy. Last evaluated: 2023-12-06. Review status: criteria provided, single submitter. Criteria: Invitae Variant Classification Sherloc (09022015). Collection method: clinical testing. Allele origin: germline.
Comment: This sequence change creates a premature translational stop signal (p.Tyr65*) in the ARSA gene. It is expected to result in an absent or disrupted protein product. Loss-of-function variants in ARSA are known to be pathogenic (PMID: 8962139, 10477432). This variant is present in population databases (rs398123414, gnomAD 0.002%). This premature translational stop signal has been observed in individuals with metachromatic leukodystrophy (PMID: 24001781, 28762252). This variant is also known as 189delC, Y63X. ClinVar contains an entry for this variant (Variation ID: 93121). For these reasons, this variant has been classified as Pathogenic.

Neurometabolisches Labor, University hospital Tuebingen
Classification: Pathogenic for Metachromatic leukodystrophy. Last evaluated: 2017-05-01. Review status: criteria provided, single submitter. Criteria: BÃ¶hringer et al. (Hum Mutat. 2017). Collection method: research. Allele origin: unknown. Affected: yes.

Eurofins Ntd Llc (ga)
Classification: Pathogenic. Last evaluated: 2012-07-10. Review status: criteria provided, single submitter. Criteria: EGL Classification Definitions 2015. Collection method: clinical testing. Allele origin: germline. Observed: 2 variant alleles, 2 heterozygotes.

Counsyl
Classification: Likely pathogenic for Metachromatic leukodystrophy. Last evaluated: 2016-12-23. Review status: no assertion criteria provided. Collection method: clinical testing. Allele origin: unknown. Not counted in ClinVar's aggregate classification.

Literature cited by the submitters: PubMed 28762252 (cited by Natera, Inc. and Labcorp Genetics (formerly Invitae), Labcorp); PubMed 24001781 (cited by 3 submitters); PubMed 8962139 (cited by Labcorp Genetics (formerly Invitae), Labcorp); PubMed 10477432 (cited by Labcorp Genetics (formerly Invitae), Labcorp).

NM_000487.6(ARSA):c.195del (p.Phe64_Tyr65insTer)

Gene: ARSA (arylsulfatase A; minus strand). Cytogenetic location: 22q13.33.
Variant type: Deletion.
Coding change: c.195del on transcript NM_000487.6 (MANE Select); coding-DNA position 195, one base deleted (C; older notation c.195delC).
Protein change: p.Phe64_Tyr65insTer.
Molecular consequence: nonsense. On other transcripts: intron variant (2).
Genome position (GRCh38, 1-based): chr22:50,627,585, G deleted on the plus strand (C on the coding strand, the reverse complement: ARSA is on the minus strand). VCF-style (leftmost placement, unchanged base first): chr22-50627584-CG-C. GRCh37 (hg19) VCF-style: chr22-51066012-CG-C.
Other names: c.195del (NM_000487.5); c.195del, p.Phe64_Tyr65insTer (NM_001085425.3, NM_001085426.3, NM_001085427.3); c.-34-179del (NM_001362782.2, NM_001085428.3).
Identifiers: ClinVar variation 93121 (VCV000093121.16), dbSNP rs398123414, ClinGen allele CA278422.